The following is an entry in ClinVar:

ClinVar aggregate classification (germline): Likely benign (0 of 4 stars; one submission).

Conditions:
CEP170B-related disorder. Also called: CEP170B-related condition.

Allele frequency attached by ClinVar (database versions not stated): TOPMed below 0.00001; gnomAD exomes 0.00001.
gnomAD v4.1: 7 of 1,598,406 alleles (0.00044%); highest among the groups gnomAD compares: Non-Finnish European, 0.0006%; no homozygotes.

Submission:

PreventionGenetics, part of Exact Sciences
Classification: Likely benign for CEP170B-related condition. Last evaluated: 2019-07-10. Review status: no assertion criteria provided. Collection method: clinical testing. Allele origin: germline.
Comment: This variant is classified as likely benign based on ACMG/AMP sequence variant interpretation guidelines (Richards et al. 2015 PMID: 25741868, with internal and published modifications).

NM_001112726.3(CEP170B):c.936C>G (p.Thr312=)

Gene: CEP170B (centrosomal protein 170B; plus strand). Cytogenetic location: 14q32.33.
Variant type: single nucleotide variant.
Coding change: c.936C>G on transcript NM_001112726.3 (MANE Select); coding-DNA position 936, C replaced by G.
Protein change: p.Thr312=; no amino-acid change (threonine 312 retained).
Molecular consequence: synonymous variant.
Genome position (GRCh38, 1-based): chr14:104,883,393, C>G. VCF-style: chr14-104883393-C-G. GRCh37 (hg19) VCF-style: chr14-105349730-C-G.
Other names: c.726C>G, p.Thr242= (NM_015005.3).
Identifiers: ClinVar variation 3049786 (VCV003049786.2), dbSNP rs1418178944, ClinGen allele CA488501320.